The following is an entry in ClinVar:

ClinVar aggregate classification (germline): Uncertain significance (1 of 4 stars; one submission).

Conditions:
Lysinuric protein intolerance (LPI). Identifiers: Orphanet 470, MedGen C0268647, MONDO:0009109, OMIM 222700.

Allele frequency attached by ClinVar (database versions not stated): gnomAD exomes below 0.00001.
gnomAD v4.1: 1 of 1,614,236 alleles (0.000062%); highest among the groups gnomAD compares: African/African-American, 0.0013%; no homozygotes.

Submission:

Labcorp Genetics (formerly Invitae), Labcorp
Classification: Uncertain significance for Lysinuric protein intolerance. Last evaluated: 2022-10-13. Review status: criteria provided, single submitter. Criteria: Invitae Variant Classification Sherloc (09022015). Collection method: clinical testing. Allele origin: germline.
Comment: This sequence change replaces phenylalanine, which is neutral and non-polar, with serine, which is neutral and polar, at codon 424 of the SLC7A7 protein (p.Phe424Ser). This variant is not present in population databases (gnomAD no frequency). This variant has not been reported in the literature in individuals affected with SLC7A7-related conditions. Algorithms developed to predict the effect of missense changes on protein structure and function (SIFT, PolyPhen-2, Align-GVGD) all suggest that this variant is likely to be disruptive. In summary, the available evidence is currently insufficient to determine the role of this variant in disease. Therefore, it has been classified as a Variant of Uncertain Significance.

NM_003982.4(SLC7A7):c.1271T>C (p.Phe424Ser)

Gene: SLC7A7 (solute carrier family 7 member 7; minus strand). Cytogenetic location: 14q11.2.
Variant type: single nucleotide variant.
Coding change: c.1271T>C on transcript NM_003982.4 (MANE Select); coding-DNA position 1271, T replaced by C.
Protein change: p.Phe424Ser; replaces phenylalanine 424 with serine.
Molecular consequence: missense variant.
Genome position (GRCh38, 1-based): chr14:22,774,091, A>G on the plus strand (T>C on the coding strand, the complement: SLC7A7 is on the minus strand). VCF-style: chr14-22774091-A-G. GRCh37 (hg19) VCF-style: chr14-23243300-A-G.
Other names: c.1271T>C, p.Phe424Ser (NM_001126105.3, NM_001126106.4); short protein forms F424S.
Identifiers: ClinVar variation 1502537 (VCV001502537.6), dbSNP rs2139383531, ClinGen allele CA388921386.